The following is an entry in ClinVar:

NM_012431.3(SEMA3E):c.90C>G (p.His30Gln)

Gene: SEMA3E (semaphorin 3E; minus strand). Cytogenetic location: 7q21.11.
Variant type: single nucleotide variant.
Coding change: c.90C>G on transcript NM_012431.3 (MANE Select); coding-DNA position 90, C replaced by G.
Protein change: p.His30Gln; replaces histidine 30 with glutamine.
Molecular consequence: missense variant.
Genome position (GRCh38, 1-based): chr7:83,648,453, G>C on the plus strand (C>G on the coding strand, the complement: SEMA3E is on the minus strand). VCF-style: chr7-83648453-G-C. GRCh37 (hg19) VCF-style: chr7-83277769-G-C.
Other names: short protein forms H30Q.
Identifiers: ClinVar variation 3355043 (VCV003355043.1).

ClinVar aggregate classification (germline): Uncertain significance (0 of 4 stars; one submission).

Conditions:
SEMA3E-related disorder. Also called: SEMA3E-related condition.

gnomAD v4.1: 2 of 1,611,914 alleles (0.00012%); highest among the groups gnomAD compares: African/African-American, 0.0027%; no homozygotes.

Submission:

PreventionGenetics, part of Exact Sciences
Classification: Uncertain significance for SEMA3E-related condition. Last evaluated: 2024-06-06. Review status: no assertion criteria provided. Collection method: clinical testing. Allele origin: germline.
Comment: The SEMA3E c.90C>G variant is predicted to result in the amino acid substitution p.His30Gln. To our knowledge, this variant has not been reported in the literature. This variant is reported in 0.0081% of alleles in individuals of African descent in gnomAD. At this time, the clinical significance of this variant is uncertain due to the absence of conclusive functional and genetic evidence.